The following is an entry in ClinVar:

ClinVar aggregate classification (germline): Uncertain significance (1 of 4 stars; one submission).

Allele frequency attached by ClinVar (database versions not stated): gnomAD exomes below 0.00001; TOPMed 0.00001.
gnomAD v4.1: 3 of 1,613,512 alleles (0.00019%); highest among the groups gnomAD compares: East Asian, 0.0022%; no homozygotes.

Submission:

Labcorp Genetics (formerly Invitae), Labcorp
Classification: Uncertain significance. Last evaluated: 2020-11-11. Review status: criteria provided, single submitter. Criteria: Invitae Variant Classification Sherloc (09022015). Collection method: clinical testing. Allele origin: germline.
Comment: In summary, the available evidence is currently insufficient to determine the role of this variant in disease. Therefore, it has been classified as a Variant of Uncertain Significance. Nucleotide substitutions within the consensus splice site are a relatively common cause of aberrant splicing (PMID: 17576681, 9536098). Algorithms developed to predict the effect of sequence changes on RNA splicing suggest that this variant may disrupt the consensus splice site, but this prediction has not been confirmed by published transcriptional studies. This variant has not been reported in the literature in individuals with COL2A1-related conditions. This variant is not present in population databases (ExAC no frequency). This sequence change falls in intron 17 of the COL2A1 gene. It does not directly change the encoded amino acid sequence of the COL2A1 protein. It affects a nucleotide within the consensus splice site of the intron.

Literature cited by the submitters: PubMed 17576681; PubMed 9536098.

NM_001844.5(COL2A1):c.1068+5G>A

Gene: COL2A1 (collagen type II alpha 1 chain; minus strand). Cytogenetic location: 12q13.11.
Variant type: single nucleotide variant.
Coding change: c.1068+5G>A on transcript NM_001844.5 (MANE Select); 5 bases into the intron after coding-DNA position 1068, G replaced by A.
Molecular consequence: intron variant.
Genome position (GRCh38, 1-based): chr12:47,989,756, C>T on the plus strand (G>A on the coding strand, the complement: COL2A1 is on the minus strand). VCF-style: chr12-47989756-C-T. GRCh37 (hg19) VCF-style: chr12-48383539-C-T.
Other names: c.861+5G>A (NM_033150.3).
Identifiers: ClinVar variation 1522843 (VCV001522843.6), dbSNP rs1171878681, ClinGen allele CA604853507.
Genomic context (GRCh38, chr12:47,989,756, plus strand): 5'-CTTGGGCTGCTTAACGGGACTTAAAGCACAGCAACAATGACCTGCTGAGGATGAAATGAA[C>T]TTACCGGAGGCCCTGCGGGGCCTGGCTGACCATCGTTGCCTCGGGCACCCTGTGAGCAAG-3'